The following is an entry in ClinVar:

NM_003221.4(TFAP2B):c.853C>T (p.Arg285Ter)

Gene: TFAP2B (transcription factor AP-2 beta; plus strand). Cytogenetic location: 6p12.3.
Variant type: single nucleotide variant.
Coding change: c.853C>T on transcript NM_003221.4 (MANE Select); coding-DNA position 853, C replaced by T.
Protein change: p.Arg285Ter; replaces arginine 285 with a stop codon.
Molecular consequence: nonsense.
Genome position (GRCh38, 1-based): chr6:50,838,006, C>T. VCF-style: chr6-50838006-C-T. GRCh37 (hg19) VCF-style: chr6-50805719-C-T.
Other names: short protein forms R285*.
Identifiers: ClinVar variation 3003446 (VCV003003446.3), dbSNP rs1474152110, ClinGen allele CA364415282.

ClinVar aggregate classification (germline): Pathogenic (1 of 4 stars; one submission).

gnomAD v4.1: 2 of 1,614,050 alleles (0.00012%); highest among the groups gnomAD compares: Non-Finnish European, 0.00017%; no homozygotes.

Submission:

Labcorp Genetics (formerly Invitae), Labcorp
Classification: Pathogenic. Last evaluated: 2024-01-04. Review status: criteria provided, single submitter. Criteria: Invitae Variant Classification Sherloc (09022015). Collection method: clinical testing. Allele origin: germline.
Comment: This sequence change creates a premature translational stop signal (p.Arg285*) in the TFAP2B gene. It is expected to result in an absent or disrupted protein product. Loss-of-function variants in TFAP2B are known to be pathogenic (PMID: 15684060). This variant is present in population databases (no rsID available, gnomAD 0.0009%). This variant has not been reported in the literature in individuals affected with TFAP2B-related conditions. For these reasons, this variant has been classified as Pathogenic.

Literature cited by the submitters: PubMed 15684060.